The following is an entry in ClinVar:

NM_001099922.3(ALG13):c.942C>G (p.Phe314Leu)

Gene: ALG13 (ALG13 UDP-N-acetylglucosaminyltransferase subunit; plus strand). Cytogenetic location: Xq23.
Variant type: single nucleotide variant.
Coding change: c.942C>G on transcript NM_001099922.3 (MANE Select); coding-DNA position 942, C replaced by G.
Protein change: p.Phe314Leu; replaces phenylalanine 314 with leucine.
Molecular consequence: missense variant. On other transcripts: non-coding transcript variant (1).
Genome position (GRCh38, 1-based): chrX:111,713,234, C>G. VCF-style: chrX-111713234-C-G. GRCh37 (hg19) VCF-style: chrX-110956462-C-G.
Other names: c.630C>G, p.Phe210Leu (NM_001257230.2, NM_001257234.2, NM_001257237.2 and 1 more transcripts); c.708C>G, p.Phe236Leu (NM_001257231.2); c.942C>G, p.Phe314Leu (NM_001324292.2); short protein forms F210L, F314L, F236L.
Identifiers: ClinVar variation 2184734 (VCV002184734.5), dbSNP rs769270540, ClinGen allele CA10493626.
Genomic context (GRCh38, chrX:111,713,234, plus strand): 5'-TTACGTATGCCAAATTATGTCTTCCCACTTACCTTTGTTTTCCCCATATAGTCGGGATTT[C>G]ATTCTTTATCGCTTTCCTGGAAAACCTCCAACTTATGTCACAGATAATGGCTATGAAGAC-3'
Protein context (NP_001093392.1, residues 304-324): RALSLIYNRD[Phe314Leu]ILYRFPGKPP

ClinVar aggregate classification (germline): Uncertain significance. Review status: criteria provided, multiple submitters, no conflicts (2 of 4 stars). 2 submissions from 2 submitters: Uncertain significance (2). Last evaluated 2024-12-11.

Conditions:
Developmental and epileptic encephalopathy, 36 (DEE36). Also called: ALG13-CDG; Congenital disorder of glycosylation, type Is; Epileptic encephalopathy, early infantile, 36. Identifiers: Orphanet 324422, MedGen C4317295, MONDO:0010472, OMIM 300884.

Allele frequency attached by ClinVar (database versions not stated): gnomAD exomes below 0.00001; ExAC 0.00002.
gnomAD v4.1: 2 of 1,192,747 alleles (0.00017%); highest among the groups gnomAD compares: Admixed American, 0.0044%; no homozygotes.

Submissions (2):

GeneDx
Classification: Uncertain significance. Last evaluated: 2024-12-11. Review status: criteria provided, single submitter. Criteria: GeneDx Variant Classification Process June 2021. Collection method: clinical testing. Allele origin: germline. Affected: yes.
Comment: In silico analysis supports that this missense variant has a deleterious effect on protein structure/function; Has not been previously published as pathogenic or benign to our knowledge

Labcorp Genetics (formerly Invitae), Labcorp
Classification: Uncertain significance for Developmental and epileptic encephalopathy, 36. Last evaluated: 2024-10-22. Review status: criteria provided, single submitter. Criteria: Invitae Variant Classification Sherloc (09022015). Collection method: clinical testing. Allele origin: germline.
Comment: This sequence change replaces phenylalanine, which is neutral and non-polar, with leucine, which is neutral and non-polar, at codon 314 of the ALG13 protein (p.Phe314Leu). The frequency data for this variant in the population databases is considered unreliable, as metrics indicate poor data quality at this position in the gnomAD database. This variant has not been reported in the literature in individuals affected with ALG13-related conditions. ClinVar contains an entry for this variant (Variation ID: 2184734). Invitae Evidence Modeling of protein sequence and biophysical properties (such as structural, functional, and spatial information, amino acid conservation, physicochemical variation, residue mobility, and thermodynamic stability) has been performed for this missense variant. However, the output from this modeling did not meet the statistical confidence thresholds required to predict the impact of this variant on ALG13 protein function. In summary, the available evidence is currently insufficient to determine the role of this variant in disease. Therefore, it has been classified as a Variant of Uncertain Significance.